The following is an entry in ClinVar:

NM_005159.5(ACTC1):c.1088A>G (p.Glu363Gly)

Genes: ACTC1 (actin alpha cardiac muscle 1; minus strand), GJD2-DT (GJD2 divergent transcript; plus strand). Cytogenetic location: 15q14.
Variant type: single nucleotide variant.
Coding change: c.1088A>G on transcript NM_005159.5 (MANE Select); coding-DNA position 1088, A replaced by G.
Protein change: p.Glu363Gly; replaces glutamic acid 363 with glycine.
Molecular consequence: missense variant.
Genome position (GRCh38, 1-based): chr15:34,790,458, T>C on the plus strand (A>G on the coding strand, the complement: ACTC1 is on the minus strand). VCF-style: chr15-34790458-T-C. GRCh37 (hg19) VCF-style: chr15-35082659-T-C.
Other names: E361G; c.1088A>G, p.Glu363Gly (LRG_388t1); short protein forms E363G.
Identifiers: ClinVar variation 18324 (VCV000018324.22), dbSNP rs121912674, ClinGen allele CA019631.

ClinVar aggregate classification (germline): Conflicting classifications of pathogenicity. Review status: criteria provided, conflicting classifications (1 of 4 stars). 3 submissions from 3 submitters: Likely pathogenic (1); Uncertain significance (1). 1 of the submissions does not count toward it. Last evaluated 2024-10-01.

Conditions:
Atrial septal defect 5 (ASD5). Identifiers: Orphanet 1478, MedGen C2748552, MONDO:0013011, OMIM 612794.
Dilated cardiomyopathy 1R (CMD1R). Identifiers: Orphanet 154, Orphanet 54260, MedGen C3150681, MONDO:0013261, OMIM 613424.
Hypertrophic cardiomyopathy 11. Also called: ACTC1-Related Familial Hypertrophic Cardiomyopathy. Identifiers: MedGen C2677506, MONDO:0012799, OMIM 612098.

gnomAD v4.1: 1 of 1,614,196 alleles (0.000062%); highest among the groups gnomAD compares: Non-Finnish European, 0.000085%; no homozygotes.

Submissions (3):

CeGaT Center for Human Genetics Tuebingen
Classification: Likely pathogenic. Last evaluated: 2024-10-01. Review status: criteria provided, single submitter. Criteria: CeGaT Center For Human Genetics Tuebingen Variant Classification Criteria Version 2. Collection method: clinical testing. Allele origin: germline. Affected: yes. Observed: 2 variant alleles.
Comment: ACTC1: PM2, PP2, PP3, PS3:Supporting, PS4:Supporting

Labcorp Genetics (formerly Invitae), Labcorp
Classification: Uncertain significance for Dilated cardiomyopathy 1R; Hypertrophic cardiomyopathy 11; Atrial septal defect 5. Last evaluated: 2024-01-29. Review status: criteria provided, single submitter. Criteria: Invitae Variant Classification Sherloc (09022015). Collection method: clinical testing. Allele origin: germline.
Comment: This sequence change replaces glutamic acid, which is acidic and polar, with glycine, which is neutral and non-polar, at codon 363 of the ACTC1 protein (p.Glu363Gly). This variant is not present in population databases (gnomAD no frequency). This missense change has been observed in individual(s) with dilated cardiomyopathy (PMID: 9563954). It has also been observed to segregate with disease in related individuals. This variant is also known as p.Glu361Gly. ClinVar contains an entry for this variant (Variation ID: 18324). Advanced modeling of protein sequence and biophysical properties (such as structural, functional, and spatial information, amino acid conservation, physicochemical variation, residue mobility, and thermodynamic stability) performed at Invitae indicates that this missense variant is expected to disrupt ACTC1 protein function with a positive predictive value of 80%. Experimental studies have shown that this missense change affects ACTC1 function (PMID: 20600154, 24736382, 35457283). Algorithms developed to predict the effect of sequence changes on RNA splicing suggest that this variant may create or strengthen a splice site. In summary, the available evidence is currently insufficient to determine the role of this variant in disease. Therefore, it has been classified as a Variant of Uncertain Significance.

OMIM
Classification: Pathogenic for CARDIOMYOPATHY, DILATED, 1R. Last evaluated: 1998-05-01. Review status: no assertion criteria provided. Collection method: literature only. Allele origin: germline. Not counted in ClinVar's aggregate classification.

Literature cited by the submitters: PubMed 9563954 (cited by Labcorp Genetics (formerly Invitae), Labcorp and OMIM); PubMed 20600154 (cited by Labcorp Genetics (formerly Invitae), Labcorp); PubMed 24736382 (cited by Labcorp Genetics (formerly Invitae), Labcorp); PubMed 35457283 (cited by Labcorp Genetics (formerly Invitae), Labcorp).